The following is an entry in ClinVar:

ClinVar aggregate classification (germline): Uncertain significance (1 of 4 stars; one submission).

gnomAD v4.1: 1 of 1,614,182 alleles (0.000062%); highest among the groups gnomAD compares: Admixed American, 0.0017%; no homozygotes.

Submission:

Labcorp Genetics (formerly Invitae), Labcorp
Classification: Uncertain significance. Last evaluated: 2024-08-14. Review status: criteria provided, single submitter. Criteria: Invitae Variant Classification Sherloc (09022015). Collection method: clinical testing. Allele origin: germline.
Comment: This sequence change replaces aspartic acid, which is acidic and polar, with glutamic acid, which is acidic and polar, at codon 709 of the JAK1 protein (p.Asp709Glu). This variant is not present in population databases (gnomAD no frequency). This variant has not been reported in the literature in individuals affected with JAK1-related conditions. Invitae Evidence Modeling of protein sequence and biophysical properties (such as structural, functional, and spatial information, amino acid conservation, physicochemical variation, residue mobility, and thermodynamic stability) indicates that this missense variant is not expected to disrupt JAK1 protein function with a negative predictive value of 80%. In summary, the available evidence is currently insufficient to determine the role of this variant in disease. Therefore, it has been classified as a Variant of Uncertain Significance.

NM_002227.4(JAK1):c.2127C>G (p.Asp709Glu)

Gene: JAK1 (Janus kinase 1; minus strand). Cytogenetic location: 1p31.3.
Variant type: single nucleotide variant.
Coding change: c.2127C>G on transcript NM_002227.4 (MANE Select); coding-DNA position 2127, C replaced by G.
Protein change: p.Asp709Glu; replaces aspartic acid 709 with glutamic acid.
Molecular consequence: missense variant.
Genome position (GRCh38, 1-based): chr1:64,844,878, G>C on the plus strand (C>G on the coding strand, the complement: JAK1 is on the minus strand). VCF-style: chr1-64844878-G-C. GRCh37 (hg19) VCF-style: chr1-65310561-G-C.
Other names: c.2127C>G, p.Asp709Glu (NM_001320923.2, NM_001321852.2, NM_001321853.2 and 3 more transcripts); c.2124C>G, p.Asp708Glu (NM_001321857.2); short protein forms D708E, D709E.
Identifiers: ClinVar variation 3693498 (VCV003693498.2).